The following is an entry in ClinVar:

NM_006721.4(ADK):c.1048C>T (p.Arg350Trp)

Gene: ADK (adenosine kinase; plus strand). Cytogenetic location: 10q22.2.
Variant type: single nucleotide variant.
Coding change: c.1048C>T on transcript NM_006721.4 (MANE Select); coding-DNA position 1048, C replaced by T.
Protein change: p.Arg350Trp; replaces arginine 350 with tryptophan.
Molecular consequence: missense variant. On other transcripts: 3 prime UTR variant (1).
Genome position (GRCh38, 1-based): chr10:74,708,404, C>T. VCF-style: chr10-74708404-C-T. GRCh37 (hg19) VCF-style: chr10-76468162-C-T.
Other names: c.997C>T, p.Arg333Trp (NM_001123.4); c.943C>T, p.Arg315Trp (NM_001202449.2); c.877C>T, p.Arg293Trp (NM_001202450.2); c.*48C>T (NM_001369123.1); c.826C>T, p.Arg276Trp (NM_001369124.1); short protein forms R276W, R293W, R315W, R333W, R350W.
Identifiers: ClinVar variation 2414429 (VCV002414429.6), dbSNP rs200113941, ClinGen allele CA5564142.
Genomic context (GRCh38, chr10:74,708,404, plus strand): 5'-GACAAGCCTCTGACTGAATGTATCCGTGCTGGCCACTATGCAGCAAGCATCATAATTAGA[C>T]GGACTGGCTGCACCTTTCCTGAGAAGCCAGACTTCCACTGATGGAAGAGCTGAAAACACA-3'
Protein context (NP_006712.2, residues 340-360): GHYAASIIIR[Arg350Trp]TGCTFPEKPD

ClinVar aggregate classification (germline): Uncertain significance (1 of 4 stars; one submission).

Allele frequency attached by ClinVar (database versions not stated): gnomAD exomes below 0.00001; ExAC 0.00001; gnomAD 0.00001; TOPMed 0.00001.
gnomAD v4.1: 6 of 1,612,038 alleles (0.00037%); highest among the groups gnomAD compares: South Asian, 0.0011%; no homozygotes.

Submission:

Labcorp Genetics (formerly Invitae), Labcorp
Classification: Uncertain significance. Last evaluated: 2023-10-03. Review status: criteria provided, single submitter. Criteria: Invitae Variant Classification Sherloc (09022015). Collection method: clinical testing. Allele origin: germline.
Comment: This sequence change replaces arginine, which is basic and polar, with tryptophan, which is neutral and slightly polar, at codon 333 of the ADK protein (p.Arg333Trp). This variant is present in population databases (rs200113941, gnomAD 0.005%). This variant has not been reported in the literature in individuals affected with ADK-related conditions. ClinVar contains an entry for this variant (Variation ID: 2414429). Advanced modeling of protein sequence and biophysical properties (such as structural, functional, and spatial information, amino acid conservation, physicochemical variation, residue mobility, and thermodynamic stability) performed at Invitae indicates that this missense variant is expected to disrupt ADK protein function. In summary, the available evidence is currently insufficient to determine the role of this variant in disease. Therefore, it has been classified as a Variant of Uncertain Significance.